The following is an entry in ClinVar:

ClinVar aggregate classification (germline): Conflicting classifications of pathogenicity. Review status: criteria provided, conflicting classifications (1 of 4 stars). 2 submissions from 2 submitters: Uncertain significance (1); Likely benign (1). Last evaluated 2024-06-17.

Conditions:
Koolen-de Vries syndrome (KDVS). Identifiers: Orphanet 96169, MedGen C1864871, MONDO:0012496, OMIM 610443.

Submissions (2):

Fulgent Genetics
Classification: Uncertain significance for Koolen-de Vries syndrome. Last evaluated: 2024-06-17. Review status: criteria provided, single submitter. Criteria: ACMG Guidelines, 2015. Collection method: clinical testing. Allele origin: germline.

GeneDx
Classification: Likely benign. Last evaluated: 2016-10-19. Review status: criteria provided, single submitter. Criteria: GeneDx Variant Classification (06012015). Collection method: clinical testing. Allele origin: germline. Affected: yes.
Comment: This variant is considered likely benign or benign based on one or more of the following criteria: it is a conservative change, it occurs at a poorly conserved position in the protein, it is predicted to be benign by multiple in silico algorithms, and/or has population frequency not consistent with disease.

NM_015443.4(KANSL1):c.3158A>G (p.Gln1053Arg)

Gene: KANSL1 (KAT8 regulatory NSL complex subunit 1). Cytogenetic location: 17q21.31.
Variant type: single nucleotide variant.
Coding change: c.3158A>G on transcript NM_015443.4 (MANE Select); coding-DNA position 3158, A replaced by G.
Protein change: p.Gln1053Arg; replaces glutamine 1053 with arginine.
Molecular consequence: missense variant.
Genome position (GRCh38, 1-based): chr17:46,031,636, T>C on the plus strand (A>G on the coding strand, the complement: KANSL1 is on the minus strand). VCF-style: chr17-46031636-T-C. GRCh37 (hg19) VCF-style: chr17-44109002-T-C.
Other names: c.3155A>G, p.Gln1052Arg (NM_001193465.2); c.3158A>G, p.Gln1053Arg (NM_001193466.2, NM_001379198.1); short protein forms Q1053R, Q1052R.
Identifiers: ClinVar variation 390120 (VCV000390120.2), dbSNP rs1057523651, ClinGen allele CA16607691.